The following is an entry in ClinVar:

NM_014975.3(MAST1):c.4643C>T (p.Pro1548Leu)

Gene: MAST1 (microtubule associated serine/threonine kinase 1; plus strand). Cytogenetic location: 19p13.13.
Variant type: single nucleotide variant.
Coding change: c.4643C>T on transcript NM_014975.3 (MANE Select); coding-DNA position 4643, C replaced by T.
Protein change: p.Pro1548Leu; replaces proline 1548 with leucine.
Molecular consequence: missense variant.
Genome position (GRCh38, 1-based): chr19:12,874,800, C>T. VCF-style: chr19-12874800-C-T. GRCh37 (hg19) VCF-style: chr19-12985614-C-T.
Other names: short protein forms P1548L.
Identifiers: ClinVar variation 2172889 (VCV002172889.4), dbSNP rs745527365, ClinGen allele CA9233611.

ClinVar aggregate classification (germline): Uncertain significance (1 of 4 stars; one submission).

Allele frequency attached by ClinVar (database versions not stated): gnomAD exomes below 0.00001; ExAC 0.00001.
gnomAD v4.1: 4 of 1,601,060 alleles (0.00025%); highest among the groups gnomAD compares: Non-Finnish European, 0.00034%; no homozygotes.

Submission:

Labcorp Genetics (formerly Invitae), Labcorp
Classification: Uncertain significance. Last evaluated: 2024-09-09. Review status: criteria provided, single submitter. Criteria: Invitae Variant Classification Sherloc (09022015). Collection method: clinical testing. Allele origin: germline.
Comment: This sequence change replaces proline, which is neutral and non-polar, with leucine, which is neutral and non-polar, at codon 1548 of the MAST1 protein (p.Pro1548Leu). This variant is present in population databases (rs745527365, gnomAD 0.002%). This variant has not been reported in the literature in individuals affected with MAST1-related conditions. ClinVar contains an entry for this variant (Variation ID: 2172889). An algorithm developed to predict the effect of missense changes on protein structure and function (PolyPhen-2) suggests that this variant is likely to be tolerated. In summary, the available evidence is currently insufficient to determine the role of this variant in disease. Therefore, it has been classified as a Variant of Uncertain Significance.